The following is an entry in ClinVar:

NM_000090.4(COL3A1):c.1891G>A (p.Asp631Asn)

Gene: COL3A1 (collagen type III alpha 1 chain; plus strand). Cytogenetic location: 2q32.2.
Variant type: single nucleotide variant.
Coding change: c.1891G>A on transcript NM_000090.4 (MANE Select); coding-DNA position 1891, G replaced by A.
Protein change: p.Asp631Asn; replaces aspartic acid 631 with asparagine.
Molecular consequence: missense variant.
Genome position (GRCh38, 1-based): chr2:188,997,721, G>A. VCF-style: chr2-188997721-G-A. GRCh37 (hg19) VCF-style: chr2-189862447-G-A.
Other names: short protein forms D631N.
Identifiers: ClinVar variation 849566 (VCV000849566.11), dbSNP rs1688361531, ClinGen allele CA349853721.

ClinVar aggregate classification (germline): Uncertain significance. Review status: criteria provided, multiple submitters, no conflicts (2 of 4 stars). 3 submissions from 3 submitters: Uncertain significance (3). Last evaluated 2026-03-12.

Conditions:
Ehlers-Danlos syndrome, type 4 (EDSVASC). Also called: Ehlers-Danlos Syndrome Type IV; Ehlers-Danlos syndrome vascular type; Ehlers Danlos syndrome, ecchymotic type; Ehlers Danlos syndrome, arterial type; Ehlers Danlos syndrome, Sack-Barabas type. Identifiers: Orphanet 286, MedGen C0268338, MONDO:0017314, OMIM 130050.
Familial thoracic aortic aneurysm and aortic dissection (TAAD). Also called: Thoracic aortic aneurysms and dissections. Identifiers: Orphanet 91387, MedGen C4707243, MONDO:0019625.

Allele frequency attached by ClinVar (database versions not stated): gnomAD exomes below 0.00001.
gnomAD v4.1: 3 of 1,613,934 alleles (0.00019%); highest among the groups gnomAD compares: Non-Finnish European, 0.00025%; no homozygotes.

Submissions (3):

Ambry Genetics
Classification: Uncertain significance for Familial thoracic aortic aneurysm and aortic dissection. Last evaluated: 2026-03-12. Review status: criteria provided, single submitter. Criteria: Ambry Variant Classification Scheme 2023. Collection method: clinical testing. Allele origin: germline.

Color Diagnostics, LLC DBA Color Health
Classification: Uncertain significance for Familial thoracic aortic aneurysm and aortic dissection. Last evaluated: 2025-09-08. Review status: criteria provided, single submitter. Criteria: ACMG Guidelines, 2015. Collection method: clinical testing. Allele origin: germline.
Comment: This missense variant replaces aspartic acid with asparagine at codon 631 of the COL3A1 protein. Computational prediction suggests that this variant may not impact protein structure and function. To our knowledge, functional studies have not been reported for this variant. This variant has not been reported in individuals affected with COL3A1-related disorders in the literature. This variant has not been identified in the general population by the Genome Aggregation Database (gnomAD). The available evidence is insufficient to determine the role of this variant in disease conclusively. Therefore, this variant is classified as a Variant of Uncertain Significance.

Labcorp Genetics (formerly Invitae), Labcorp
Classification: Uncertain significance for Ehlers-Danlos syndrome, type 4. Last evaluated: 2019-05-20. Review status: criteria provided, single submitter. Criteria: Invitae Variant Classification Sherloc (09022015). Collection method: clinical testing. Allele origin: germline.
Comment: This sequence change replaces aspartic acid with asparagine at codon 631 of the COL3A1 protein (p.Asp631Asn). The aspartic acid residue is highly conserved and there is a small physicochemical difference between aspartic acid and asparagine. This variant is not present in population databases (ExAC no frequency). This variant has not been reported in the literature in individuals with COL3A1-related conditions. Algorithms developed to predict the effect of missense changes on protein structure and function are either unavailable or do not agree on the potential impact of this missense change (SIFT: "Deleterious"; PolyPhen-2: "Not Available"; Align-GVGD: "Class C0"). In summary, the available evidence is currently insufficient to determine the role of this variant in disease. Therefore, it has been classified as a Variant of Uncertain Significance.